The following is an entry in ClinVar:

NM_001048174.2(MUTYH):c.1356A>T (p.Glu452Asp)

Gene: MUTYH (mutY DNA glycosylase; minus strand). Cytogenetic location: 1p34.1.
Variant type: single nucleotide variant.
Coding change: c.1356A>T on transcript NM_001048174.2 (MANE Select); coding-DNA position 1356, A replaced by T.
Protein change: p.Glu452Asp; replaces glutamic acid 452 with aspartic acid.
Molecular consequence: missense variant. On other transcripts: non-coding transcript variant (7).
Genome position (GRCh38, 1-based): chr1:45,331,218, T>A on the plus strand (A>T on the coding strand, the complement: MUTYH is on the minus strand). VCF-style: chr1-45331218-T-A. GRCh37 (hg19) VCF-style: chr1-45796890-T-A.
Other names: c.1356A>T, p.Glu452Asp (NM_001048171.2, NM_001048173.2, NM_001293195.2 and 6 more transcripts); c.1359A>T, p.Glu453Asp (NM_001048172.2, NM_001407071.1, NM_001407078.1 and 1 more transcripts); c.1440A>T, p.Glu480Asp (NM_001128425.2); c.1401A>T, p.Glu467Asp (NM_001293190.2); c.1389A>T, p.Glu463Asp (NM_001293191.2, NM_001407069.1, NM_001407077.1); c.1080A>T, p.Glu360Asp (NM_001293192.2, NM_001293196.2, NM_001407091.1); c.1011A>T, p.Glu337Asp (NM_001350650.2, NM_001350651.2, NM_001407082.1); c.1272A>T, p.Glu424Asp (NM_001407075.1); and 5 more; short protein forms E424D, E438D, E439D, E360D, E453D, E466D, E467D, E480D.
Identifiers: ClinVar variation 4113252 (VCV004113252.1).

ClinVar aggregate classification (germline): Uncertain significance (1 of 4 stars; one submission).

Conditions:
Hereditary cancer-predisposing syndrome. Also called: Tumor predisposition; Neoplastic Syndromes, Hereditary; Hereditary neoplastic syndrome; Hereditary Cancer Syndrome. Identifiers: Orphanet 140162, MedGen C0027672, MeSH D009386, MONDO:0015356.

Submission:

Ambry Genetics
Classification: Uncertain significance for Hereditary cancer-predisposing syndrome. Last evaluated: 2025-08-27. Review status: criteria provided, single submitter. Criteria: Ambry Variant Classification Scheme 2023. Collection method: clinical testing. Allele origin: germline.
Comment: The p.E480D variant (also known as c.1440A>T), located in coding exon 14 of the MUTYH gene, results from an A to T substitution at nucleotide position 1440. The glutamic acid at codon 480 is replaced by aspartic acid, an amino acid with highly similar properties. This amino acid position is conserved. In addition, this alteration is predicted to be tolerated by in silico analysis. Based on the available evidence, the clinical significance of this variant remains unclear.